The following is an entry in ClinVar:

ClinVar aggregate classification (germline): Uncertain significance (1 of 4 stars; one submission).

Conditions:
Epileptic encephalopathy. Identifiers: MedGen C0543888, HP:0200134.

Allele frequency attached by ClinVar (database versions not stated): gnomAD exomes below 0.00001; TOPMed below 0.00001; gnomAD 0.00001.

Submission:

Labcorp Genetics (formerly Invitae), Labcorp
Classification: Uncertain significance for Epileptic encephalopathy. Last evaluated: 2022-08-23. Review status: criteria provided, single submitter. Criteria: Invitae Variant Classification Sherloc (09022015). Collection method: clinical testing. Allele origin: germline.
Comment: In summary, the available evidence is currently insufficient to determine the role of this variant in disease. Therefore, it has been classified as a Variant of Uncertain Significance. This sequence change replaces glycine, which is neutral and non-polar, with glutamic acid, which is acidic and polar, at codon 1499 of the FASN protein (p.Gly1499Glu). This variant is not present in population databases (gnomAD no frequency). This variant has not been reported in the literature in individuals affected with FASN-related conditions. ClinVar contains an entry for this variant (Variation ID: 1507845). Algorithms developed to predict the effect of missense changes on protein structure and function output the following: SIFT: "Tolerated"; PolyPhen-2: "Benign"; Align-GVGD: "Class C0". The glutamic acid amino acid residue is found in multiple mammalian species, which suggests that this missense change does not adversely affect protein function.

NM_004104.5(FASN):c.4496G>A (p.Gly1499Glu)

Gene: FASN (fatty acid synthase; minus strand). Cytogenetic location: 17q25.3.
Variant type: single nucleotide variant.
Coding change: c.4496G>A on transcript NM_004104.5 (MANE Select); coding-DNA position 4496, G replaced by A.
Protein change: p.Gly1499Glu; replaces glycine 1499 with glutamic acid.
Molecular consequence: missense variant.
Genome position (GRCh38, 1-based): chr17:82,084,867, C>T on the plus strand (G>A on the coding strand, the complement: FASN is on the minus strand). VCF-style: chr17-82084867-C-T. GRCh37 (hg19) VCF-style: chr17-80042743-C-T.
Other names: short protein forms G1499E.
Identifiers: ClinVar variation 1507845 (VCV001507845.8), dbSNP rs1407933279, ClinGen allele CA401546574.